The following is an entry in ClinVar:

ClinVar aggregate classification (germline): Likely pathogenic (1 of 4 stars; one submission).

Conditions:
X-linked hydrocephalus syndrome (HYCX). Also called: X-linked hydrocephalus; AQUEDUCTAL STENOSIS, X-LINKED; X-Linked Hydrocephalus with Stenosis of the Aqueduct of Sylvius; X-Linked Hydrocephalus with Stenosis of the Aqueduct of Sylvius (HSAS); HYDROCEPHALUS, CONGENITAL, X-LINKED. Identifiers: Orphanet 2182, MedGen C0265216, MONDO:0010611, OMIM 307000.

Submission:

Molecular Genetics laboratory, Necker Hospital
Classification: Likely pathogenic for X-linked hydrocephalus syndrome. Last evaluated: 2026-06-20. Review status: criteria provided, single submitter. Criteria: ACMG Guidelines, 2015. Collection method: clinical testing. Allele origin: maternal. Affected: yes. Observed: 1 variant allele.
Comment: The NM_001278116.1(L1CAM):c.606_607del is a frameshift variant in L1CAM which is predicted to result in a premature STOP codon (24 aminoacids downstream of the Asp at position 202) and likely results in an absent or disrupted protein product in a gene where loss-of-function is a known mechanism of disease (PVS1). This variant is not present in gnomAD (PM2; version 4.1.1). In summary, this variant meets criteria to be classified as likely pathogenic for Hydrocephalus due to congenital stenosis of aqueduct of Sylvius syndrome based on the ACMG/AMP criteria (adapted) applied: PVS1, PM2 (PMID: 25741868). We cannot apply the PS2 criterion, however, if a similar criterion was defined for variants inherited from a healthy mother and causing X-linked recessive disorders in male, this variant would have been classified as Pathogenic.

NM_001278116.2(L1CAM):c.606_607del (p.Asp202fs)

Gene: L1CAM (L1 cell adhesion molecule; minus strand). Cytogenetic location: Xq28.
Variant type: Deletion.
Coding change: c.606_607del on transcript NM_001278116.2 (MANE Select); coding-DNA positions 606 to 607, 2 bases deleted (CA; older notation c.606_607delCA).
Protein change: p.Asp202fs; shifts the reading frame from aspartic acid 202.
Molecular consequence: frameshift variant.
Genome position (GRCh38, 1-based): chrX:153,870,877-153,870,878, TG deleted on the plus strand (CA on the coding strand, the reverse complement: L1CAM is on the minus strand); deleting any 2 consecutive bases within chrX:153,870,877-153,870,879 gives the same sequence; the c. name uses the placement nearest the transcript's 3' end. VCF-style (leftmost placement, unchanged base first): chrX-153870876-TTG-T. GRCh37 (hg19) VCF-style: chrX-153136331-TTG-T.
Other names: c.606_607del, p.Asp202fs (NM_000425.5, NM_024003.3); c.591_592del, p.Asp197fs (NM_001143963.2); short protein forms D197fs, D202fs.
Identifiers: ClinVar variation 4857037 (VCV004857037.1).